The following is an entry in ClinVar:

NM_024685.4(BBS10):c.2057A>G (p.Gln686Arg)

Gene: BBS10 (Bardet-Biedl syndrome 10; minus strand). Cytogenetic location: 12q21.2.
Variant type: single nucleotide variant.
Coding change: c.2057A>G on transcript NM_024685.4 (MANE Select); coding-DNA position 2057, A replaced by G.
Protein change: p.Gln686Arg; replaces glutamine 686 with arginine.
Molecular consequence: missense variant.
Genome position (GRCh38, 1-based): chr12:76,345,928, T>C on the plus strand (A>G on the coding strand, the complement: BBS10 is on the minus strand). VCF-style: chr12-76345928-T-C. GRCh37 (hg19) VCF-style: chr12-76739708-T-C.
Other names: short protein forms Q686R.
Identifiers: ClinVar variation 1967582 (VCV001967582.5), dbSNP rs2540954818, ClinGen allele CA385808401.

ClinVar aggregate classification (germline): Uncertain significance (1 of 4 stars; one submission).

Conditions:
Bardet-Biedl syndrome (BBS). Identifiers: Orphanet 110, MedGen C0752166, MONDO:0015229.

Submission:

Labcorp Genetics (formerly Invitae), Labcorp
Classification: Uncertain significance for Bardet-Biedl syndrome. Last evaluated: 2025-07-28. Review status: criteria provided, single submitter. Criteria: Invitae Variant Classification Sherloc (09022015). Collection method: clinical testing. Allele origin: germline.
Comment: This sequence change replaces glutamine, which is neutral and polar, with arginine, which is basic and polar, at codon 686 of the BBS10 protein (p.Gln686Arg). This variant is not present in population databases (gnomAD no frequency). This variant has not been reported in the literature in individuals affected with BBS10-related conditions. ClinVar contains an entry for this variant (Variation ID: 1967582). Invitae Evidence Modeling of protein sequence and biophysical properties (such as structural, functional, and spatial information, amino acid conservation, physicochemical variation, residue mobility, and thermodynamic stability) indicates that this missense variant is expected to disrupt BBS10 protein function with a positive predictive value of 80%. In summary, the available evidence is currently insufficient to determine the role of this variant in disease. Therefore, it has been classified as a Variant of Uncertain Significance.